The following is an entry in ClinVar:

NM_005506.4(SCARB2):c.117+6G>C

Gene: SCARB2 (scavenger receptor class B member 2; minus strand). Cytogenetic location: 4q21.1.
Variant type: single nucleotide variant.
Coding change: c.117+6G>C on transcript NM_005506.4 (MANE Select); 6 bases into the intron after coding-DNA position 117, G replaced by C.
Molecular consequence: intron variant.
Genome position (GRCh38, 1-based): chr4:76,213,421, C>G on the plus strand (G>C on the coding strand, the complement: SCARB2 is on the minus strand). VCF-style: chr4-76213421-C-G. GRCh37 (hg19) VCF-style: chr4-77134574-C-G.
Other names: c.117+6G>C (NM_001204255.2).
Identifiers: ClinVar variation 1522926 (VCV001522926.6), dbSNP rs2109974158, ClinGen allele CA2573138355.
Genomic context (GRCh38, chr4:76,213,421, plus strand): 5'-TAGCAGCAGGGATGGGAGGGTGAGCTGGACGACTCCACAACACACACACAGCCCGCCCCG[C>G]CTCACCTTCTCGATACTCTGGTCTACAGCCTTCTGGAAGACCCGGGCCACCAGCAGCGTG-3'

ClinVar aggregate classification (germline): Uncertain significance (1 of 4 stars; one submission).

Conditions:
Progressive myoclonic epilepsy. Also called: Myoclonus epilepsy; Progressive myoclonus epilepsy; Familial progressive myoclonic epilepsy; Myoclonic Epilepsies, Progressive. Identifiers: Orphanet 308, Orphanet 98261, MedGen C0751778, MONDO:0020074.

Submission:

Labcorp Genetics (formerly Invitae), Labcorp
Classification: Uncertain significance for Progressive myoclonic epilepsy. Last evaluated: 2025-12-01. Review status: criteria provided, single submitter. Criteria: Invitae Variant Classification Sherloc (09022015). Collection method: clinical testing. Allele origin: germline.
Comment: This sequence change falls in intron 1 of the SCARB2 gene. It does not directly change the encoded amino acid sequence of the SCARB2 protein. It affects a nucleotide within the consensus splice site. This variant is not present in population databases (gnomAD no frequency). This variant has not been reported in the literature in individuals affected with SCARB2-related conditions. ClinVar contains an entry for this variant (Variation ID: 1522926). Variants that disrupt the consensus splice site are a relatively common cause of aberrant splicing (PMID: 17576681, 9536098). Algorithms developed to predict the effect of sequence changes on RNA splicing suggest that this variant is not likely to affect RNA splicing. In summary, the available evidence is currently insufficient to determine the role of this variant in disease. Therefore, it has been classified as a Variant of Uncertain Significance.

Literature cited by the submitters: PubMed 17576681; PubMed 9536098.